The following is an entry in ClinVar:

NM_005670.4(EPM2A):c.379G>A (p.Gly127Arg)

Gene: EPM2A (EPM2A glucan phosphatase, laforin; minus strand). Cytogenetic location: 6q24.3.
Variant type: single nucleotide variant.
Coding change: c.379G>A on transcript NM_005670.4 (MANE Select); coding-DNA position 379, G replaced by A.
Protein change: p.Gly127Arg; replaces glycine 127 with arginine.
Molecular consequence: missense variant. On other transcripts: 5 prime UTR variant (5), non-coding transcript variant (1).
Genome position (GRCh38, 1-based): chr6:145,686,219, C>T on the plus strand (G>A on the coding strand, the complement: EPM2A is on the minus strand). VCF-style: chr6-145686219-C-T. GRCh37 (hg19) VCF-style: chr6-146007355-C-T.
Other names: p.G127R:GGA>AGA; c.379G>A, p.Gly127Arg (NM_001018041.2, NM_001360057.2, NM_001368130.1); c.-36G>A (NM_001360064.2, NM_001360071.2, NM_001368131.1); c.-245G>A (NM_001368129.2, NM_001368132.1); short protein forms G127R.
Identifiers: ClinVar variation 205438 (VCV000205438.2), dbSNP rs796052429, ClinGen allele CA314508.

ClinVar aggregate classification (germline): Uncertain significance (1 of 4 stars; one submission).

Allele frequency attached by ClinVar (database versions not stated): gnomAD exomes below 0.00001.
gnomAD v4.1: 1 of 1,613,652 alleles (0.000062%); highest among the groups gnomAD compares: Middle Eastern, 0.016%; no homozygotes.

Submission:

GeneDx
Classification: Uncertain significance. Last evaluated: 2014-02-06. Review status: criteria provided, single submitter. Criteria: GeneDx Variant Classification (06012015). Collection method: clinical testing. Allele origin: germline. Affected: yes.
Comment: p.Gly127Arg (GGA>AGA): c.379 G>A in exon 2 of the EPM2A gene (NM_005670.3). The Gly127Arg missense change in the EPM2A gene has not been published as a mutation, nor has it been reported as a benign polymorphism to our knowledge. It was not observed in approximately 6,500 individuals of European and African American ancestry in the NHLBI Exome Sequencing Project, indicating it is not a common benign variant in these populations. This variant is a non-conservative amino acid substitution of an uncharged, non-polar Glycine residue with a positively charged Arginine residue. In silico analysis predicts this variant is probably damaging to the protein structure/function. However, the variant alters a position that is not conserved across species. Therefore, based on the currently available information, it is unclear whether Gly127Arg is a disease-causing mutation or a rare benign variant. The variant is found in CHILD-EPI panel(s).